The following is an entry in ClinVar:

ClinVar aggregate classification (germline): Uncertain significance. Review status: criteria provided, multiple submitters, no conflicts (2 of 4 stars). 3 submissions from 3 submitters: Uncertain significance (3). Last evaluated 2024-02-28.

Conditions:
Intellectual developmental disorder, X-linked 99, syndromic, female-restricted. Also called: Intellectual disability, X-linked 99, syndromic, female-restricted. Identifiers: MedGen C4225416, MONDO:0010502, OMIM 300968.
Intellectual developmental disorder, X-linked 99. Also called: Intellectual disability, X-linked 99. Identifiers: Orphanet 777, MedGen C3806746, MONDO:0010487, OMIM 300919.
USP9X-related neurodevelopmental disorder.

Allele frequency attached by ClinVar (database versions not stated): gnomAD exomes below 0.00001; gnomAD 0.00002; TOPMed 0.00001.
gnomAD v4.1: 3 of 1,208,383 alleles (0.00025%); highest among the groups gnomAD compares: Non-Finnish European, 0.00034%; no homozygotes.

Submissions (3):

Fulgent Genetics
Classification: Uncertain significance for Intellectual developmental disorder, X-linked 99; Intellectual developmental disorder, X-linked 99, syndromic, female-restricted. Last evaluated: 2024-02-28. Review status: criteria provided, single submitter. Criteria: ACMG Guidelines, 2015. Collection method: clinical testing. Allele origin: germline.

Labcorp Genetics (formerly Invitae), Labcorp
Classification: Uncertain significance. Last evaluated: 2022-10-08. Review status: criteria provided, single submitter. Criteria: Invitae Variant Classification Sherloc (09022015). Collection method: clinical testing. Allele origin: germline.
Comment: In summary, the available evidence is currently insufficient to determine the role of this variant in disease. Therefore, it has been classified as a Variant of Uncertain Significance. This sequence change replaces alanine, which is neutral and non-polar, with glycine, which is neutral and non-polar, at codon 56 of the USP9X protein (p.Ala56Gly). This variant is not present in population databases (gnomAD no frequency). This variant has not been reported in the literature in individuals affected with USP9X-related conditions. ClinVar contains an entry for this variant (Variation ID: 1328121). Algorithms developed to predict the effect of missense changes on protein structure and function (SIFT, PolyPhen-2, Align-GVGD) all suggest that this variant is likely to be tolerated.

Illumina Laboratory Services, Illumina
Classification: Uncertain significance for USP9X-related neurodevelopmental disorder. Last evaluated: 2021-08-30. Review status: criteria provided, single submitter. Criteria: ICSLVariantClassificationCriteria RUGD 01 April 2020. Collection method: clinical testing. Allele origin: unknown.
Comment: The USP9X c.167C>G (p.Ala56Gly) variant is a missense variant. A literature search was performed for the gene, cDNA change, and amino acid change. No publications were found based on this search. The variant is reported at a frequency of 0.000038 in the European (non-Finnish) population from the Genome Aggregation Database (version 3.1.1), though this is based on two heterozygous alleles in a region of good sequencing coverage, indicating the variant is rare; no hemizygous alleles have been reported in version 2.1.1 or version 3.1.1. Based on the available evidence, the p.Ala56Gly variant is classified as a variant of uncertain significance for USP9X-related neurodevelopmental disorder.

NM_001039591.3(USP9X):c.167C>G (p.Ala56Gly)

Gene: USP9X (ubiquitin specific peptidase 9 X-linked; plus strand). Cytogenetic location: Xp11.4.
Variant type: single nucleotide variant.
Coding change: c.167C>G on transcript NM_001039591.3 (MANE Select); coding-DNA position 167, C replaced by G.
Protein change: p.Ala56Gly; replaces alanine 56 with glycine.
Molecular consequence: missense variant.
Genome position (GRCh38, 1-based): chrX:41,129,070, C>G. VCF-style: chrX-41129070-C-G. GRCh37 (hg19) VCF-style: chrX-40988323-C-G.
Other names: c.167C>G, p.Ala56Gly (NM_001039590.3); short protein forms A56G.
Identifiers: ClinVar variation 1328121 (VCV001328121.9), dbSNP rs866511878, ClinGen allele CA412760383.
Genomic context (GRCh38, chrX:41,129,070, plus strand): 5'-CTGATTCTTCCAATGAAAATTCCCCGGCAACTCCCCCAGATGAGCAAGGTCAAGGTGATG[C>G]CCCACCACAGCTTGAAGATGAGGAACCTGCATTTCCACATACTGACTTGGCCAAGTTGGA-3'
Protein context (NP_001034680.2, residues 46-66): TPPDEQGQGD[Ala56Gly]PPQLEDEEPA